The following is an entry in ClinVar:

NM_005732.4(RAD50):c.3591G>A (p.Met1197Ile)

Genes: TH2LCRR (T helper type 2 locus control region associated RNA; minus strand), TH2-LCR (Th2 cytokine locus control region; plus strand), RAD50 (RAD50 double strand break repair protein; plus strand). Cytogenetic location: 5q31.1.
Variant type: single nucleotide variant.
Coding change: c.3591G>A on transcript NM_005732.4 (MANE Select); coding-DNA position 3591, G replaced by A.
Protein change: p.Met1197Ile; replaces methionine 1197 with isoleucine.
Molecular consequence: missense variant. On other transcripts: non-coding transcript variant (3).
Genome position (GRCh38, 1-based): chr5:132,638,196, G>A. VCF-style: chr5-132638196-G-A. GRCh37 (hg19) VCF-style: chr5-131973888-G-A.
Other names: short protein forms M1197I.
Identifiers: ClinVar variation 480421 (VCV000480421.15), dbSNP rs1554100957, ClinGen allele CA360932267.

ClinVar aggregate classification (germline): Uncertain significance. Review status: criteria provided, multiple submitters, no conflicts (2 of 4 stars). 2 submissions from 2 submitters: Uncertain significance (2). Last evaluated 2020-09-17.

Conditions:
Hereditary cancer-predisposing syndrome. Also called: Hereditary Cancer Syndrome; Neoplastic Syndromes, Hereditary; Tumor predisposition; Hereditary neoplastic syndrome. Identifiers: Orphanet 140162, MedGen C0027672, MeSH D009386, MONDO:0015356.

Submissions (2):

Labcorp Genetics (formerly Invitae), Labcorp
Classification: Uncertain significance for Hereditary cancer-predisposing syndrome. Last evaluated: 2020-09-17. Review status: criteria provided, single submitter. Criteria: Invitae Variant Classification Sherloc (09022015). Collection method: clinical testing. Allele origin: germline.
Comment: This sequence change replaces methionine with isoleucine at codon 1197 of the RAD50 protein (p.Met1197Ile). The methionine residue is highly conserved and there is a small physicochemical difference between methionine and isoleucine. This variant is not present in population databases (ExAC no frequency). In summary, the available evidence is currently insufficient to determine the role of this variant in disease. Therefore, it has been classified as a Variant of Uncertain Significance. Algorithms developed to predict the effect of missense changes on protein structure and function are either unavailable or do not agree on the potential impact of this missense change (SIFT: "Deleterious"; PolyPhen-2: "Probably Damaging"; Align-GVGD: "Class C0"). This variant has not been reported in the literature in individuals with RAD50-related conditions. ClinVar contains an entry for this variant (Variation ID: 480421).

Ambry Genetics
Classification: Uncertain significance for Hereditary cancer-predisposing syndrome. Last evaluated: 2016-03-14. Review status: criteria provided, single submitter. Criteria: Ambry Variant Classification Scheme 2023. Collection method: clinical testing. Allele origin: germline.
Comment: The p.M1197I variant (also known as c.3591G>A), located in coding exon 23 of the RAD50 gene, results from a G to A substitution at nucleotide position 3591. The methionine at codon 1197 is replaced by isoleucine, an amino acid with highly similar properties. This variant was not reported in population based cohorts in the following databases: Database of Single Nucleotide Polymorphisms (dbSNP), NHLBI Exome Sequencing Project (ESP), and 1000 Genomes Project. In the ESP, this variant was not observed in 6503 samples (13006 alleles) with coverage at this position. To date, this alteration has been detected with an allele frequency of approximately 0.001% (greater than 120000 alleles tested) in our clinical cohort. This amino acid position is highly conserved in available vertebrate species. In addition, the in silico prediction for this alteration is inconclusive. Since supporting evidence is limited at this time, the clinical significance of this alteration remains unclear.